The following is an entry in ClinVar:

NM_001369268.1(ACAN):c.147C>G (p.Ile49Met)

Gene: ACAN (aggrecan; plus strand). Cytogenetic location: 15q26.1.
Variant type: single nucleotide variant.
Coding change: c.147C>G on transcript NM_001369268.1 (MANE Select); coding-DNA position 147, C replaced by G.
Protein change: p.Ile49Met; replaces isoleucine 49 with methionine.
Molecular consequence: missense variant.
Genome position (GRCh38, 1-based): chr15:88,838,739, C>G. VCF-style: chr15-88838739-C-G. GRCh37 (hg19) VCF-style: chr15-89381970-C-G.
Other names: c.147C>G, p.Ile49Met (NM_001135.4, NM_001411096.1, NM_001411097.1 and 1 more transcripts); short protein forms I49M.
Identifiers: ClinVar variation 2710200 (VCV002710200.3), dbSNP rs1249230063, ClinGen allele CA393714818.

ClinVar aggregate classification (germline): Uncertain significance (1 of 4 stars; one submission).

gnomAD v4.1: 3 of 1,613,048 alleles (0.00019%); highest among the groups gnomAD compares: South Asian, 0.0033%; no homozygotes.

Submission:

Labcorp Genetics (formerly Invitae), Labcorp
Classification: Uncertain significance. Last evaluated: 2024-01-19. Review status: criteria provided, single submitter. Criteria: Invitae Variant Classification Sherloc (09022015). Collection method: clinical testing. Allele origin: germline.
Comment: This sequence change replaces isoleucine, which is neutral and non-polar, with methionine, which is neutral and non-polar, at codon 49 of the ACAN protein (p.Ile49Met). This variant is present in population databases (no rsID available, gnomAD 0.003%). This variant has not been reported in the literature in individuals affected with ACAN-related conditions. Advanced modeling of protein sequence and biophysical properties (such as structural, functional, and spatial information, amino acid conservation, physicochemical variation, residue mobility, and thermodynamic stability) performed at Invitae indicates that this missense variant is not expected to disrupt ACAN protein function with a negative predictive value of 80%. In summary, the available evidence is currently insufficient to determine the role of this variant in disease. Therefore, it has been classified as a Variant of Uncertain Significance.